The following continues an entry in ClinVar:

NM_000551.4(VHL):c.463+8C>T

ClinVar aggregate classification (germline): Benign. Benign (1). ClinVar aggregate classification (oncogenicity): Benign.

Submissions 19 to 27 of 27:

Women's Health and Genetics/Laboratory Corporation of America, LabCorp
Classification: Benign. Last evaluated: 2016-01-13. Review status: criteria provided, single submitter. Criteria: LabCorp Variant Classification Summary - May 2015. Collection method: clinical testing. Allele origin: germline. Not counted in ClinVar's aggregate classification.
Comment: Variant summary: Variant of interest is a substitution of a non-conserved nucleotide located at an intronic position not widely known to affect splicing. 5/5 in silico tools via Alamut predict no impact on normal splicing by the variant along with mutation taster predicting a neutral outcome. The variant was found in the European and African subcohorts of the ExAC project at an allele frequency of 0.076% and 0.048% respectively. These allele frequencies exceed the maximal expected allele frequency of a disease causing VHL variant (0.0028%) indicating the variant to be non-disease causing. It was also seen in patients with phaeochromocytoma, suspected VHL disease and with sporadic RCC, however without strong evidence for pathogenicity. Multiple clinical diagnostic laboratories classify variant as Likely Benign/Benign via ClinVar (without evidence to independently evaluate). Considering the high prevalence of the variant in the general population this variant is classified as benign.

Clinical Genomics Labs, University Health Network
Classification: Likely benign for Von Hippel-Lindau syndrome. Last evaluated: 2018-11-22. Review status: no assertion criteria provided. Criteria: ACMG Guidelines, 2015. Collection method: clinical testing. Allele origin: germline. Not counted in ClinVar's aggregate classification.

Counsyl
Classification: Likely benign for Von Hippel-Lindau syndrome. Last evaluated: 2017-09-20. Review status: no assertion criteria provided. Collection method: clinical testing. Allele origin: unknown. Not counted in ClinVar's aggregate classification.

Genomic Diagnostic Laboratory, Division of Genomic Diagnostics, Children's Hospital of Philadelphia
Classification: Likely benign for Von Hippel-Lindau syndrome. Last evaluated: 2016-02-26. Review status: no assertion criteria provided. Collection method: clinical testing. Allele origin: germline. Observed: 2 variant alleles. Not counted in ClinVar's aggregate classification.

Clinical Genetics DNA and cytogenetics Diagnostics Lab, Erasmus MC, Erasmus Medical Center
Classification: Likely benign. Review status: no assertion criteria provided. Collection method: clinical testing. Allele origin: germline. Affected: yes. Study: VKGL Data-share Consensus. Not counted in ClinVar's aggregate classification.

Diagnostic Laboratory, Department of Genetics, University Medical Center Groningen
Classification: Likely benign. Review status: no assertion criteria provided. Collection method: clinical testing. Allele origin: germline. Affected: yes. Study: VKGL Data-share Consensus. Not counted in ClinVar's aggregate classification.

Genome Diagnostics Laboratory, Amsterdam University Medical Center
Classification: Likely benign. Review status: no assertion criteria provided. Collection method: clinical testing. Allele origin: germline. Affected: yes. Study: VKGL Data-share Consensus. Not counted in ClinVar's aggregate classification.

Genome Diagnostics Laboratory, University Medical Center Utrecht
Classification: Likely benign. Review status: no assertion criteria provided. Collection method: clinical testing. Allele origin: germline. Affected: yes. Study: VKGL Data-share Consensus. Not counted in ClinVar's aggregate classification.

Joint Genome Diagnostic Labs from Nijmegen and Maastricht, Radboudumc and MUMC+
Classification: Likely benign. Review status: no assertion criteria provided. Collection method: clinical testing. Allele origin: germline. Affected: yes. Study: VKGL Data-share Consensus. Not counted in ClinVar's aggregate classification.

Literature cited by the submitters: PubMed 9398721 (cited by 5 submitters); PubMed 11409863 (cited by 3 submitters); PubMed 22799452 (cited by 4 submitters); PubMed 9663592 (cited by 3 submitters); PubMed 15932632 (cited by Women's Health and Genetics/Laboratory Corporation of America, LabCorp); PubMed 23434161 (cited by Women's Health and Genetics/Laboratory Corporation of America, LabCorp and Counsyl); PubMed 27146957 (cited by Counsyl).